The following is an entry in ClinVar:

NM_005228.5(EGFR):c.2102A>G (p.Gln701Arg)

Gene: EGFR (epidermal growth factor receptor; plus strand). Cytogenetic location: 7p11.2.
Variant type: single nucleotide variant.
Coding change: c.2102A>G on transcript NM_005228.5 (MANE Select); coding-DNA position 2102, A replaced by G.
Protein change: p.Gln701Arg; replaces glutamine 701 with arginine.
Molecular consequence: missense variant.
Genome position (GRCh38, 1-based): chr7:55,173,961, A>G. VCF-style: chr7-55173961-A-G. GRCh37 (hg19) VCF-style: chr7-55241654-A-G.
Other names: c.1967A>G, p.Gln656Arg (NM_001346897.2, NM_001346899.2); c.2102A>G, p.Gln701Arg (NM_001346898.2); c.1943A>G, p.Gln648Arg (NM_001346900.2); c.1301A>G, p.Gln434Arg (NM_001346941.2); short protein forms Q434R, Q648R, Q656R, Q701R.
Identifiers: ClinVar variation 4870233 (VCV004870233.1).

ClinVar aggregate classification (germline): Uncertain significance (1 of 4 stars; one submission).

Conditions:
Hereditary cancer-predisposing syndrome. Also called: Neoplastic Syndromes, Hereditary; Tumor predisposition; Hereditary Cancer Syndrome; Hereditary neoplastic syndrome. Identifiers: Orphanet 140162, MedGen C0027672, MeSH D009386, MONDO:0015356.

Submission:

Ambry Genetics
Classification: Uncertain significance for Hereditary cancer-predisposing syndrome. Last evaluated: 2026-04-06. Review status: criteria provided, single submitter. Criteria: Ambry Variant Classification Scheme 2023. Collection method: clinical testing. Allele origin: germline.
Comment: The p.Q701R variant (also known as c.2102A>G), located in coding exon 18 of the EGFR gene, results from an A to G substitution at nucleotide position 2102. The glutamine at codon 701 is replaced by arginine, an amino acid with highly similar properties. This amino acid position is highly conserved in available vertebrate species. In addition, this alteration is predicted to be deleterious by in silico analysis. Based on the available evidence, the clinical significance of this variant remains unclear.